The following is an entry in ClinVar:

NM_001145809.2(MYH14):c.230A>T (p.Glu77Val)

Gene: MYH14 (myosin heavy chain 14; plus strand). Cytogenetic location: 19q13.33.
Variant type: single nucleotide variant.
Coding change: c.230A>T on transcript NM_001145809.2 (MANE Select); coding-DNA position 230, A replaced by T.
Protein change: p.Glu77Val; replaces glutamic acid 77 with valine.
Molecular consequence: missense variant.
Genome position (GRCh38, 1-based): chr19:50,210,595, A>T. VCF-style: chr19-50210595-A-T. GRCh37 (hg19) VCF-style: chr19-50713852-A-T.
Other names: c.230A>T, p.Glu77Val (NM_001077186.2, NM_024729.4); short protein forms E77V.
Identifiers: ClinVar variation 4071749 (VCV004071749.1).

ClinVar aggregate classification (germline): Uncertain significance (1 of 4 stars; one submission).

Submission:

GeneDx
Classification: Uncertain significance. Last evaluated: 2025-01-27. Review status: criteria provided, single submitter. Criteria: GeneDx Variant Classification Process June 2021. Collection method: clinical testing. Allele origin: germline. Affected: yes.
Comment: Not observed at significant frequency in large population cohorts (gnomAD); In silico analysis supports that this missense variant has a deleterious effect on protein structure/function; Has not been previously published as pathogenic or benign to our knowledge